The following is an entry in ClinVar:

ClinVar aggregate classification (germline): Uncertain significance (1 of 4 stars; one submission).

Allele frequency attached by ClinVar (database versions not stated): gnomAD exomes below 0.00001; ExAC 0.00002.
gnomAD v4.1: 3 of 1,613,802 alleles (0.00019%); highest among the groups gnomAD compares: Non-Finnish European, 0.00017%; no homozygotes.

Submission:

Labcorp Genetics (formerly Invitae), Labcorp
Classification: Uncertain significance. Last evaluated: 2021-06-16. Review status: criteria provided, single submitter. Criteria: Invitae Variant Classification Sherloc (09022015). Collection method: clinical testing. Allele origin: germline.
Comment: In summary, the available evidence is currently insufficient to determine the role of this variant in disease. Therefore, it has been classified as a Variant of Uncertain Significance. Algorithms developed to predict the effect of missense changes on protein structure and function are either unavailable or do not agree on the potential impact of this missense change (SIFT: "Deleterious"; PolyPhen-2: "Probably Damaging"; Align-GVGD: "Class C15"). This variant has not been reported in the literature in individuals with TBCK-related conditions. This variant is present in population databases (rs775831728, ExAC 0.003%). This sequence change replaces cysteine with tyrosine at codon 54 of the TBCK protein (p.Cys54Tyr). The cysteine residue is highly conserved and there is a large physicochemical difference between cysteine and tyrosine.

NM_001163435.3(TBCK):c.161G>A (p.Cys54Tyr)

Gene: TBCK (TBC1 domain containing kinase; minus strand). Cytogenetic location: 4q24.
Variant type: single nucleotide variant.
Coding change: c.161G>A on transcript NM_001163435.3 (MANE Select); coding-DNA position 161, G replaced by A.
Protein change: p.Cys54Tyr; replaces cysteine 54 with tyrosine.
Molecular consequence: missense variant. On other transcripts: 5 prime UTR variant (1).
Genome position (GRCh38, 1-based): chr4:106,308,800, C>T on the plus strand (G>A on the coding strand, the complement: TBCK is on the minus strand). VCF-style: chr4-106308800-C-T. GRCh37 (hg19) VCF-style: chr4-107229957-C-T.
Other names: c.161G>A, p.Cys54Tyr (NM_001163436.4, NM_001163437.3, NM_033115.5); c.-457G>A (NM_001290768.2); short protein forms C54Y.
Identifiers: ClinVar variation 1467278 (VCV001467278.8), dbSNP rs775831728, ClinGen allele CA3035532.